The following is an entry in ClinVar:

ClinVar aggregate classification (germline): Pathogenic. Review status: criteria provided, multiple submitters, no conflicts (2 of 4 stars). 2 submissions from 2 submitters: Pathogenic (2). Last evaluated 2025-04-21.

Conditions:
Familial X-linked hypophosphatemic vitamin D refractory rickets (XLHRD). Also called: Hypophosphatemic Rickets, X-Linked Dominant; HYPOPHOSPHATEMIC VITAMIN D-RESISTANT RICKETS; X-Linked Hypophosphatemia; Hypophosphatemia, vitamin D-resistant rickets; Vitamin D-resistant rickets, X-linked. Identifiers: Orphanet 89936, MedGen C0733682, MONDO:0010619, OMIM 307800.

Submissions (2):

Women's Health and Genetics/Laboratory Corporation of America, LabCorp
Classification: Pathogenic for Familial X-linked hypophosphatemic vitamin D refractory rickets. Last evaluated: 2025-04-21. Review status: criteria provided, single submitter. Criteria: LabCorp Variant Classification Summary - May 2015. Collection method: clinical testing. Allele origin: germline.
Comment: Variant summary: PHEX c.1080-3C>G alters a conserved nucleotide located close to a canonical splice site and therefore could affect mRNA splicing, leading to a significantly altered protein sequence. Several computational tools predict a significant impact on normal splicing: Two predict the variant creates a 3' acceptor site. One predicts the variant weakens a 3' acceptor site. Three predict the variant abolishes a 3' acceptor site. However, these predictions have yet to be confirmed by functional studies. The variant was absent in 183223 control chromosomes. c.1080-3C>G has been observed in the heterozygous state in multiple de novo individual(s) affected with X-Linked Hypophosphatemic Rickets (example, Fourikou_2024, Labcorp Genetics (formerly Invitae)). These data indicate that the variant may be associated with disease. To our knowledge, no experimental evidence demonstrating an impact on protein function has been reported. The following publication has been ascertained in the context of this evaluation (PMID: 38226334). ClinVar contains an entry for this variant (Variation ID: 1420385). Based on the evidence outlined above, the variant was classified as pathogenic.

Labcorp Genetics (formerly Invitae), Labcorp
Classification: Pathogenic. Last evaluated: 2021-08-20. Review status: criteria provided, single submitter. Criteria: Invitae Variant Classification Sherloc (09022015). Collection method: clinical testing. Allele origin: germline.
Comment: For these reasons, this variant has been classified as Pathogenic. This variant disrupts the c.1080-3C nucleotide in the PHEX gene. Other variant(s) that disrupt this nucleotide have been determined to be pathogenic (PMID: 26107949, 31102713). This suggests that this nucleotide is clinically significant, and that variants that disrupt this position are likely to be disease-causing. Variants that disrupt the consensus splice site are a relatively common cause of aberrant splicing (PMID: 17576681, 9536098). Algorithms developed to predict the effect of sequence changes on RNA splicing suggest that this variant may disrupt the consensus splice site. This variant has been observed in individual(s) with hypophosphatemic rickets (Invitae). In at least one individual the variant was observed to be de novo. This variant is not present in population databases (ExAC no frequency). This sequence change falls in intron 9 of the PHEX gene. It does not directly change the encoded amino acid sequence of the PHEX protein. It affects a nucleotide within the consensus splice site of the intron.

Literature cited by the submitters: PubMed 38226334 (cited by Women's Health and Genetics/Laboratory Corporation of America, LabCorp); PubMed 26107949 (cited by Labcorp Genetics (formerly Invitae), Labcorp); PubMed 31102713 (cited by Labcorp Genetics (formerly Invitae), Labcorp); PubMed 17576681 (cited by Labcorp Genetics (formerly Invitae), Labcorp); PubMed 9536098 (cited by Labcorp Genetics (formerly Invitae), Labcorp).

NM_000444.6(PHEX):c.1080-3C>G

Gene: PHEX (phosphate regulating endopeptidase X-linked; plus strand). Cytogenetic location: Xp22.11.
Variant type: single nucleotide variant.
Coding change: c.1080-3C>G on transcript NM_000444.6 (MANE Select); 3 bases into the intron before coding-DNA position 1080, C replaced by G.
Molecular consequence: intron variant.
Genome position (GRCh38, 1-based): chrX:22,111,464, C>G. VCF-style: chrX-22111464-C-G. GRCh37 (hg19) VCF-style: chrX-22129582-C-G.
Other names: c.1080-3C>G (NM_001282754.2).
Identifiers: ClinVar variation 1420385 (VCV001420385.8), dbSNP rs1930961231, ClinGen allele CA2573158523.